The following is an entry in ClinVar:

ClinVar aggregate classification (germline): Likely benign (1 of 4 stars; one submission).

Allele frequency attached by ClinVar (database versions not stated): gnomAD 0.00055.
gnomAD v4.1: 41 of 76,690 alleles (0.053%); highest among the groups gnomAD compares: African/African-American, 0.25%; 4 homozygotes.

Submission:

CeGaT Center for Human Genetics Tuebingen
Classification: Likely benign. Last evaluated: 2023-01-01. Review status: criteria provided, single submitter. Criteria: CeGaT Center For Human Genetics Tuebingen Variant Classification Criteria Version 2. Collection method: clinical testing. Allele origin: germline. Affected: yes. Observed: 1 variant allele.
Comment: TPPP: BS2

NM_007030.3(TPPP):c.312-2192T>C

Genes: CEP72 (centrosomal protein 72), TPPP (tubulin polymerization promoting protein; minus strand). Cytogenetic location: 5p15.33.
Variant type: single nucleotide variant.
Coding change: c.312-2192T>C on transcript NM_007030.3 (MANE Select); 2192 bases into the intron before coding-DNA position 312, T replaced by C.
Molecular consequence: intron variant. On other transcripts: non-coding transcript variant (1).
Genome position (GRCh38, 1-based): chr5:668,315, A>G on the plus strand (T>C on the coding strand, the complement: TPPP is on the minus strand). VCF-style: chr5-668315-A-G. GRCh37 (hg19) VCF-style: chr5-668430-A-G.
Identifiers: ClinVar variation 2655253 (VCV002655253.24), dbSNP rs112278350, ClinGen allele CA112837851.